The following is an entry in ClinVar:

NM_206933.4(USH2A):c.6979G>A (p.Ala2327Thr)

Gene: USH2A (usherin; minus strand). Cytogenetic location: 1q41.
Variant type: single nucleotide variant.
Coding change: c.6979G>A on transcript NM_206933.4 (MANE Select); coding-DNA position 6979, G replaced by A.
Protein change: p.Ala2327Thr; replaces alanine 2327 with threonine.
Molecular consequence: missense variant.
Genome position (GRCh38, 1-based): chr1:215,965,458, C>T on the plus strand (G>A on the coding strand, the complement: USH2A is on the minus strand). VCF-style: chr1-215965458-C-T. GRCh37 (hg19) VCF-style: chr1-216138800-C-T.
Other names: short protein forms A2327T.
Identifiers: ClinVar variation 1469569 (VCV001469569.8), dbSNP rs747835402, ClinGen allele CA1394976.

ClinVar aggregate classification (germline): Uncertain significance (1 of 4 stars; one submission).

Allele frequency attached by ClinVar (database versions not stated): gnomAD exomes 0.00001; ExAC 0.00002; gnomAD 0.00004.
gnomAD v4.1: 6 of 1,613,558 alleles (0.00037%); highest among the groups gnomAD compares: African/African-American, 0.008%; no homozygotes.

Submission:

Labcorp Genetics (formerly Invitae), Labcorp
Classification: Uncertain significance. Last evaluated: 2021-06-14. Review status: criteria provided, single submitter. Criteria: Invitae Variant Classification Sherloc (09022015). Collection method: clinical testing. Allele origin: germline.
Comment: This sequence change replaces alanine with threonine at codon 2327 of the USH2A protein (p.Ala2327Thr). The alanine residue is highly conserved and there is a small physicochemical difference between alanine and threonine. In summary, the available evidence is currently insufficient to determine the role of this variant in disease. Therefore, it has been classified as a Variant of Uncertain Significance. Algorithms developed to predict the effect of missense changes on protein structure and function output the following: SIFT: "Deleterious"; PolyPhen-2: "Benign"; Align-GVGD: "Class C55". The threonine amino acid residue is found in multiple mammalian species, suggesting that this missense change does not adversely affect protein function. These predictions have not been confirmed by published functional studies and their clinical significance is uncertain. This variant has not been reported in the literature in individuals with USH2A-related conditions. This variant is present in population databases (rs747835402, ExAC 0.03%).